The following is an entry in ClinVar:

NM_030665.4(RAI1):c.5556C>T (p.Ala1852=)

Gene: RAI1 (retinoic acid induced 1; plus strand). Cytogenetic location: 17p11.2.
Variant type: single nucleotide variant.
Coding change: c.5556C>T on transcript NM_030665.4 (MANE Select); coding-DNA position 5556, C replaced by T.
Protein change: p.Ala1852=; no amino-acid change (alanine 1852 retained).
Molecular consequence: synonymous variant.
Genome position (GRCh38, 1-based): chr17:17,798,504, C>T. VCF-style: chr17-17798504-C-T. GRCh37 (hg19) VCF-style: chr17-17701818-C-T.
Other names: c.5556C>T (NM_030665.3).
Identifiers: ClinVar variation 1540140 (VCV001540140.10), dbSNP rs1474602709, ClinGen allele CA498190576.

ClinVar aggregate classification (germline): Likely benign. Review status: criteria provided, single submitter (1 of 4 stars). 2 submissions from 2 submitters: Likely benign (1). 1 of the submissions does not count toward it. Last evaluated 2022-03-07.

Conditions:
RAI1-related disorder. Also called: RAI1-related condition.

Allele frequency attached by ClinVar (database versions not stated): gnomAD exomes below 0.00001 and 0.00002.
gnomAD v4.1: 21 of 1,600,826 alleles (0.0013%); highest among the groups gnomAD compares: East Asian, 0.027%; no homozygotes.

Submissions (2):

Labcorp Genetics (formerly Invitae), Labcorp
Classification: Likely benign. Last evaluated: 2022-03-07. Review status: criteria provided, single submitter. Criteria: Invitae Variant Classification Sherloc (09022015). Collection method: clinical testing. Allele origin: germline.

PreventionGenetics, part of Exact Sciences
Classification: Likely benign for RAI1-related condition. Last evaluated: 2023-05-08. Review status: no assertion criteria provided. Collection method: clinical testing. Allele origin: germline. Not counted in ClinVar's aggregate classification.
Comment: This variant is classified as likely benign based on ACMG/AMP sequence variant interpretation guidelines (Richards et al. 2015 PMID: 25741868, with internal and published modifications).